The following is an entry in ClinVar:

ClinVar aggregate classification (germline): Uncertain significance (1 of 4 stars; one submission).

Conditions:
Primary ciliary dyskinesia. Also called: Ciliary dyskinesia. Identifiers: Orphanet 244, MedGen C0008780, MONDO:0016575, HP:0012265.

gnomAD v4.1: 12 of 1,523,500 alleles (0.00079%); highest among the groups gnomAD compares: Non-Finnish European, 0.00079%; no homozygotes.

Submission:

Labcorp Genetics (formerly Invitae), Labcorp
Classification: Uncertain significance for Primary ciliary dyskinesia. Last evaluated: 2024-06-09. Review status: criteria provided, single submitter. Criteria: Invitae Variant Classification Sherloc (09022015). Collection method: clinical testing. Allele origin: germline.
Comment: This sequence change replaces glutamic acid, which is acidic and polar, with glycine, which is neutral and non-polar, at codon 387 of the DNAAF2 protein (p.Glu387Gly). The frequency data for this variant in the population databases is considered unreliable, as metrics indicate poor data quality at this position in the gnomAD database. This missense change has been observed in individual(s) with primary ciliary dyskinesia (PMID: 31765523). Advanced modeling of protein sequence and biophysical properties (such as structural, functional, and spatial information, amino acid conservation, physicochemical variation, residue mobility, and thermodynamic stability) performed at Invitae indicates that this missense variant is not expected to disrupt DNAAF2 protein function with a negative predictive value of 80%. In summary, the available evidence is currently insufficient to determine the role of this variant in disease. Therefore, it has been classified as a Variant of Uncertain Significance.

Literature cited by the submitters: PubMed 31765523.

NM_018139.3(DNAAF2):c.1160A>G (p.Glu387Gly)

Genes: DNAAF2 (dynein axonemal assembly factor 2; minus strand), LOC130055542 (ATAC-STARR-seq lymphoblastoid silent region 5699; plus strand). Cytogenetic location: 14q21.3.
Variant type: single nucleotide variant.
Coding change: c.1160A>G on transcript NM_018139.3 (MANE Select); coding-DNA position 1160, A replaced by G.
Protein change: p.Glu387Gly; replaces glutamic acid 387 with glycine.
Molecular consequence: missense variant.
Genome position (GRCh38, 1-based): chr14:49,633,990, T>C on the plus strand (A>G on the coding strand, the complement: DNAAF2 is on the minus strand). VCF-style: chr14-49633990-T-C. GRCh37 (hg19) VCF-style: chr14-50100708-T-C.
Other names: c.1160A>G, p.Glu387Gly (NM_001083908.2); short protein forms E387G.
Identifiers: ClinVar variation 3630140 (VCV003630140.2).